The following is an entry in ClinVar:

NM_001100913.3(PACS2):c.25_33dup (p.Gly11_Ala12insLeuProGly)

Genes: BRF1 (BRF1 general transcription factor IIIB subunit; minus strand), PACS2 (phosphofurin acidic cluster sorting protein 2; plus strand). Cytogenetic location: 14q32.33.
Variant type: Duplication.
Coding change: c.25_33dup on transcript NM_001100913.3 (MANE Select); coding-DNA positions 25 to 33, 9 bases duplicated (CTCCCCGGC; older notation c.25_33dupCTCCCCGGC).
Protein change: p.Gly11_Ala12insLeuProGly.
Molecular consequence: inframe insertion. On other transcripts: intron variant (4).
Genome position (GRCh38, 1-based): chr14:105,314,943-105,314,951, CTCCCCGGC duplicated; duplicating any 9 consecutive bases within chr14:105,314,939-105,314,951 gives the same sequence; the c. name uses the placement nearest the transcript's 3' end. VCF-style (leftmost placement, unchanged base first): chr14-105314938-T-TCGGCCTCCC. GRCh37 (hg19) VCF-style: chr14-105781275-T-TCGGCCTCCC.
Other names: c.25_33dup, p.Gly11_Ala12insLeuProGly (NM_015197.4); c.-162+375_-162+383dup (NM_001440451.1, NM_001242787.2, NM_001242786.2); c.-83+13964_-83+13972dup (NM_001243127.3).
Identifiers: ClinVar variation 1998591 (VCV001998591.4), dbSNP rs2140747407, ClinGen allele CA2580088499.

ClinVar aggregate classification (germline): Uncertain significance (1 of 4 stars; one submission).

Submission:

Labcorp Genetics (formerly Invitae), Labcorp
Classification: Uncertain significance. Last evaluated: 2022-05-25. Review status: criteria provided, single submitter. Criteria: Invitae Variant Classification Sherloc (09022015). Collection method: clinical testing. Allele origin: germline.
Comment: In summary, the available evidence is currently insufficient to determine the role of this variant in disease. Therefore, it has been classified as a Variant of Uncertain Significance. This variant has not been reported in the literature in individuals affected with PACS2-related conditions. This variant is not present in population databases (gnomAD no frequency). This variant, c.25_33dup, results in the insertion of 3 amino acid(s) of the PACS2 protein (p.Leu9_Gly11dup), but otherwise preserves the integrity of the reading frame.